The following is an entry in ClinVar:

ClinVar aggregate classification (germline): Uncertain significance (1 of 4 stars; one submission).

Conditions:
DICER1-related tumor predisposition. Also called: DICER1-related pleuropulmonary blastoma cancer predisposition syndrome; DICER1 syndrome. Identifiers: Orphanet 284343, MedGen C3839822, MONDO:0100216.

Allele frequency attached by ClinVar (database versions not stated): ExAC 0.00001; gnomAD exomes 0.00001.
gnomAD v4.1: 3 of 1,614,048 alleles (0.00019%); highest among the groups gnomAD compares: South Asian, 0.0033%; no homozygotes.

Submission:

Labcorp Genetics (formerly Invitae), Labcorp
Classification: Uncertain significance for DICER1-related tumor predisposition. Last evaluated: 2022-08-27. Review status: criteria provided, single submitter. Criteria: Invitae Variant Classification Sherloc (09022015). Collection method: clinical testing. Allele origin: germline.
Comment: This sequence change replaces glutamine, which is neutral and polar, with histidine, which is basic and polar, at codon 488 of the DICER1 protein (p.Gln488His). This variant is present in population databases (rs770934736, gnomAD 0.003%). This variant has not been reported in the literature in individuals affected with DICER1-related conditions. Algorithms developed to predict the effect of missense changes on protein structure and function are either unavailable or do not agree on the potential impact of this missense change (SIFT: "Tolerated"; PolyPhen-2: "Probably Damaging"; Align-GVGD: "Class C0"). In summary, the available evidence is currently insufficient to determine the role of this variant in disease. Therefore, it has been classified as a Variant of Uncertain Significance.

NM_177438.3(DICER1):c.1464G>T (p.Gln488His)

Gene: DICER1 (dicer 1, ribonuclease III; minus strand). Cytogenetic location: 14q32.13.
Variant type: single nucleotide variant.
Coding change: c.1464G>T on transcript NM_177438.3 (MANE Select); coding-DNA position 1464, G replaced by T.
Protein change: p.Gln488His; replaces glutamine 488 with histidine.
Molecular consequence: missense variant. On other transcripts: 5 prime UTR variant (1), non-coding transcript variant (6).
Genome position (GRCh38, 1-based): chr14:95,117,667, C>A on the plus strand (G>T on the coding strand, the complement: DICER1 is on the minus strand). VCF-style: chr14-95117667-C-A. GRCh37 (hg19) VCF-style: chr14-95584004-C-A.
Other names: c.1464G>T, p.Gln488His (NM_001195573.1, NM_001271282.3, NM_001291628.2 and 13 more transcripts); c.1182G>T, p.Gln394His (NM_001395686.1); c.1059G>T, p.Gln353His (NM_001395687.1, NM_001395688.1, NM_001395689.1 and 3 more transcripts); c.897G>T, p.Gln299His (NM_001395691.1); c.-105G>T (NM_001395697.1); short protein forms Q353H, Q488H, Q299H, Q394H.
Identifiers: ClinVar variation 1948633 (VCV001948633.5), dbSNP rs770934736, ClinGen allele CA7331480.